The following continues an entry in ClinVar:

NM_000088.4(COL1A1):c.769G>A (p.Gly257Arg)

ClinVar aggregate classification (germline): Pathogenic. Pathogenic (15).

Submissions 8 to 17 of 17:

GeneDx
Classification: Pathogenic. Last evaluated: 2023-12-27. Review status: criteria provided, single submitter. Criteria: GeneDx Variant Classification Process June 2021. Collection method: clinical testing. Allele origin: germline. Affected: yes.
Comment: Occurs in the triple helical domain and replaces the glycine in the canonical Gly-X-Y repeat; missense substitution of a canonical glycine residue is expected to disrupt normal protein folding and function, and this is an established mechanism of disease (PMID: 34007986); Not observed at significant frequency in large population cohorts (gnomAD); In silico analysis supports that this missense variant has a deleterious effect on protein structure/function; Also known as c.888G>A; This variant is associated with the following publications: (PMID: 37334733, 37270749, 35154279, 30614853, 32166892, 33939306, 25525159, 22206639, 30886339, 30477250, 31447884, 32314604, 21667357, 23692737, 26627451, 32123938, 32786180, 35822426, 28626166, 34007986, 36709916, 36964972, 35909573, 37432431, 8613526)

Clinical Genetics Laboratory, Skane University Hospital Lund
Classification: Pathogenic. Last evaluated: 2023-05-12. Review status: criteria provided, single submitter. Criteria: ACMG Guidelines, 2015. Collection method: clinical testing. Allele origin: germline. Affected: yes.

Laboratorio de Genetica e Diagnostico Molecular, Hospital Israelita Albert Einstein
Classification: Pathogenic for Osteogenesis imperfecta type I. Last evaluated: 2022-10-21. Review status: criteria provided, single submitter. Criteria: ACMG Guidelines, 2015. Collection method: clinical testing. Allele origin: germline. Affected: yes. Observed: 1 variant allele.
Comment: ACMG classification criteria: PS3 supporting, PS4 strong, PM1 moderated, PM2 moderated, PP3 supporting

Fulgent Genetics
Classification: Pathogenic for Infantile cortical hyperostosis; Ehlers-Danlos syndrome, arthrochalasia type; Osteogenesis imperfecta type I; Osteogenesis imperfecta, perinatal lethal; Osteogenesis imperfecta with normal sclerae, dominant form; Osteoporosis; Osteogenesis imperfecta type III; Combined osteogenesis imperfecta and Ehlers-Danlos syndrome 1. Last evaluated: 2022-03-08. Review status: criteria provided, single submitter. Criteria: ACMG Guidelines, 2015. Collection method: clinical testing. Allele origin: unknown.

Victorian Clinical Genetics Services, Murdoch Childrens Research Institute
Classification: Pathogenic for Osteogenesis imperfecta type I. Last evaluated: 2022-02-02. Review status: criteria provided, single submitter. Criteria: ACMG Guidelines, 2015. Collection method: clinical testing. Allele origin: germline. Inheritance: Autosomal dominant inheritance. Affected: yes.
Comment: Based on the classification scheme VCGS_Germline_v1.3.4, this variant is classified as Pathogenic. Following criteria are met: 0103 - Dominant negative and loss of function are known mechanisms of disease in this gene and are associated with Osteogenesis imperfect types I-IV, and other conditions (OMIM). Variants resulting in a truncated protein are known to have a loss of function effect on protein, while missense variants affecting the G-X-Y of a triple helix motif, have a dominant negative effect (PMIDs:27509835, 12362985). (I) 0107 - This gene is associated with autosomal dominant disease. (I) 0115 - Variants in this gene are known to have variable expressivity. Interfamilial variability is apparent among individuals with the same OI type and intrafamilial variability is apparent among individuals with the same causative variant (Genereviews). (I) 0200 - Variant is predicted to result in a missense amino acid change from glycine to arginine. (I) 0251 - This variant is heterozygous. (I) 0301 - Variant is absent from gnomAD (both v2 and v3). (SP) 0501 - Missense variant consistently predicted to be damaging by multiple in silico tools or highly conserved with a major amino acid change. (SP) 0601 - Variant is located in the well-established functional Gly-X-Y motif. Variants that disrupt the glycine of the Gly-X-Y motif are known to product structural defects in the collagen molecule (PMID: 12362985). (SP) 0704 - Another missense variant comparable to the one identified in this case has limited previous evidence for pathogenicity. The p.(Gly257Glu) variant has been observed in an individual with COL1A1-related disease by a clinical laboratory in ClinVar. (SP) 0801 - This variant has strong previous evidence of pathogenicity in unrelated individuals. This variant has been observed in over ten individuals with osteogenesis imperfecta. The majority of these individuals had osteogenesis imperfecta type I (MIM#166200) (ClinVar, PMIDs). (SP) 1208 - Inheritance information for this variant is not currently available in this individual. (I) Legend: (SP) - Supporting pathogenic, (I) - Information, (SB) - Supporting benign

Genome Diagnostics Laboratory, The Hospital for Sick Children
Classification: Pathogenic for Osteogenesis imperfecta. Last evaluated: 2021-11-25. Review status: criteria provided, single submitter. Criteria: ACMG Guidelines, 2015. Collection method: clinical testing. Allele origin: germline.

Athena Diagnostics
Classification: Pathogenic. Last evaluated: 2021-06-21. Review status: criteria provided, single submitter. Criteria: Athena Diagnostics Criteria. Collection method: clinical testing. Allele origin: unknown.
Comment: This variant results in the substitution of a glycine residue in a Gly-X-Y motif in the triple helix region. Glycine changes in these regions are reported to be damaging to protein function (PMID 17078022). This variant has been identified in multiple individuals with clinical features associated with this gene (PMID: 16705691, 16879195, 17078022, 21667357, 21884818, 22753364, 26627451). This variant has not been reported in large, multi-ethnic general populations.

Kasturba Medical College, Manipal, Kasturba Medical College, Manipal, Manipal Academy of Higher Education, Manipal, India
Classification: Pathogenic for Combined osteogenesis imperfecta and Ehlers-Danlos syndrome 1. Review status: criteria provided, single submitter. Criteria: ACMG Guidelines, 2015. Collection method: research. Allele origin: germline. Inheritance: Autosomal dominant inheritance. Affected: yes. Observed: 1 heterozygote.
Comment: The variant is present in two individuals in heterozygous state and absent in homozygous state in gnomAD (v4.1.0). This variant is absent in our in-house database of 3384 exomes. In silico prediction tools are consistent in predicting the variant to be damaging to COL1A1 function. This variant is reported in the ClinVar database as pathogenic by 11 submitters (ClinVar ID: 425639). The clinical features observed in the proband are in concordance with combined osteogenesis imperfecta and Ehlers-Danlos syndrome 1.

Bioscientia Institut fuer Medizinische Diagnostik GmbH, Sonic Healthcare
Classification: Pathogenic for Osteogenesis imperfecta type I. Last evaluated: 2017-09-18. Review status: no assertion criteria provided. Collection method: clinical testing. Allele origin: germline. Affected: yes. Not counted in ClinVar's aggregate classification.

Department of Medical Sciences, Uppsala University
Classification: Pathogenic for OI type I. Review status: no assertion criteria provided. Collection method: clinical testing. Allele origin: unknown. Affected: yes. Observed: 1 variant allele. Not counted in ClinVar's aggregate classification.

Literature cited by the submitters: PubMed 8613526 (cited by Dasa and Labcorp Genetics (formerly Invitae), Labcorp); PubMed 21667357 (cited by 3 submitters); PubMed 22206639 (cited by Dasa and Labcorp Genetics (formerly Invitae), Labcorp); PubMed 23692737 (cited by Dasa and Labcorp Genetics (formerly Invitae), Labcorp); PubMed 26627451 (cited by Dasa and Labcorp Genetics (formerly Invitae), Labcorp); PubMed 7695699 (cited by Labcorp Genetics (formerly Invitae), Labcorp); PubMed 8218237 (cited by Labcorp Genetics (formerly Invitae), Labcorp); PubMed 19344236 (cited by Labcorp Genetics (formerly Invitae), Labcorp); PubMed 9016532 (cited by Labcorp Genetics (formerly Invitae), Labcorp); PubMed 17078022 (cited by Labcorp Genetics (formerly Invitae), Labcorp); PubMed 27509835 (cited by Clinical Biomedical Laboratory, Shriners Hospital For Children - Canada and Victorian Clinical Genetics Services, Murdoch Childrens Research Institute); PubMed 12362985 (cited by Victorian Clinical Genetics Services, Murdoch Childrens Research Institute); PubMed 27748872 (cited by Victorian Clinical Genetics Services, Murdoch Childrens Research Institute); PubMed 31447884 (cited by Victorian Clinical Genetics Services, Murdoch Childrens Research Institute); PubMed 32166892 (cited by Kasturba Medical College, Manipal, Kasturba Medical College, Manipal, Manipal Academy of Higher Education, Manipal, India); PubMed 30614853 (cited by Kasturba Medical College, Manipal, Kasturba Medical College, Manipal, Manipal Academy of Higher Education, Manipal, India); PubMed 25944380 (cited by Department of Medical Sciences, Uppsala University).